The following is an entry in ClinVar:

NM_000130.5(F5):c.1154A>G (p.Asn385Ser)

Gene: F5 (coagulation factor V; minus strand). Cytogenetic location: 1q24.2.
Variant type: single nucleotide variant.
Coding change: c.1154A>G on transcript NM_000130.5 (MANE Select); coding-DNA position 1154, A replaced by G.
Protein change: p.Asn385Ser; replaces asparagine 385 with serine.
Molecular consequence: missense variant.
Genome position (GRCh38, 1-based): chr1:169,552,699, T>C on the plus strand (A>G on the coding strand, the complement: F5 is on the minus strand). VCF-style: chr1-169552699-T-C. GRCh37 (hg19) VCF-style: chr1-169521937-T-C.
Other names: short protein forms N385S.
Identifiers: ClinVar variation 3709345 (VCV003709345.3).

ClinVar aggregate classification (germline): Uncertain significance. Review status: criteria provided, multiple submitters, no conflicts (2 of 4 stars). 2 submissions from 2 submitters: Uncertain significance (2). Last evaluated 2025-01-26.

Conditions:
Congenital factor V deficiency. Also called: Hereditary factor V deficiency disease; OWREN PARAHEMOPHILIA; PARAHEMOPHILIA; LABILE FACTOR DEFICIENCY. Identifiers: Orphanet 326, MedGen C0015499, MONDO:0009210, OMIM 227400.

gnomAD v4.1: 86 of 1,612,194 alleles (0.0053%); highest among the groups gnomAD compares: Non-Finnish European, 0.0066%; 2 homozygotes.

Submissions (2):

Labcorp Genetics (formerly Invitae), Labcorp
Classification: Uncertain significance for Congenital factor V deficiency. Last evaluated: 2025-01-26. Review status: criteria provided, single submitter. Criteria: Invitae Variant Classification Sherloc (09022015). Collection method: clinical testing. Allele origin: germline.
Comment: This sequence change replaces asparagine, which is neutral and polar, with serine, which is neutral and polar, at codon 385 of the F5 protein (p.Asn385Ser). This variant is present in population databases (rs371770676, gnomAD 0.01%). This variant has not been reported in the literature in individuals affected with F5-related conditions. Invitae Evidence Modeling of protein sequence and biophysical properties (such as structural, functional, and spatial information, amino acid conservation, physicochemical variation, residue mobility, and thermodynamic stability) indicates that this missense variant is expected to disrupt F5 protein function with a positive predictive value of 80%. In summary, the available evidence is currently insufficient to determine the role of this variant in disease. Therefore, it has been classified as a Variant of Uncertain Significance.

Blueprint Genetics
Classification: Uncertain significance. Last evaluated: 2023-04-12. Review status: criteria provided, single submitter. Criteria: ACMG Guidelines, 2015. Collection method: clinical testing. Allele origin: germline.